The following is an entry in ClinVar:

NM_001128840.3(CACNA1D):c.2061C>T (p.Thr687=)

Gene: CACNA1D (calcium voltage-gated channel subunit alpha1 D; plus strand). Cytogenetic location: 3p21.1.
Variant type: single nucleotide variant.
Coding change: c.2061C>T on transcript NM_001128840.3 (MANE Select); coding-DNA position 2061, C replaced by T.
Protein change: p.Thr687=; no amino-acid change (threonine 687 retained).
Molecular consequence: synonymous variant.
Genome position (GRCh38, 1-based): chr3:53,723,960, C>T. VCF-style: chr3-53723960-C-T. GRCh37 (hg19) VCF-style: chr3-53757987-C-T.
Other names: c.2121C>T, p.Thr707= (NM_000720.4); c.2061C>T, p.Thr687= (NM_001128839.3).
Identifiers: ClinVar variation 511178 (VCV000511178.8), dbSNP rs377165258, ClinGen allele CA2454120.

ClinVar aggregate classification (germline): Likely benign. Review status: criteria provided, multiple submitters, no conflicts (2 of 4 stars). 2 submissions from 2 submitters: Likely benign (2). Last evaluated 2026-02-02.

Allele frequency attached by ClinVar (database versions not stated): TOPMed 0.00003; ExAC 0.00006; ESP Exome Variant Server 0.00015.
gnomAD v4.1: 118 of 1,614,064 alleles (0.0073%); highest among the groups gnomAD compares: Non-Finnish European, 0.0089%; no homozygotes.

Submissions (2):

Labcorp Genetics (formerly Invitae), Labcorp
Classification: Likely benign. Last evaluated: 2026-02-02. Review status: criteria provided, single submitter. Criteria: Invitae Variant Classification Sherloc (09022015). Collection method: clinical testing. Allele origin: germline.

GeneDx
Classification: Likely benign. Last evaluated: 2017-08-10. Review status: criteria provided, single submitter. Criteria: GeneDx Variant Classification (06012015). Collection method: clinical testing. Allele origin: germline. Affected: yes.
Comment: This variant is considered likely benign or benign based on one or more of the following criteria: it is a conservative change, it occurs at a poorly conserved position in the protein, it is predicted to be benign by multiple in silico algorithms, and/or has population frequency not consistent with disease.